The following is an entry in ClinVar:

NM_015102.5(NPHP4):c.2800C>T (p.Arg934Cys)

Gene: NPHP4 (nephrocystin 4; minus strand). Cytogenetic location: 1p36.31.
Variant type: single nucleotide variant.
Coding change: c.2800C>T on transcript NM_015102.5 (MANE Select); coding-DNA position 2800, C replaced by T.
Protein change: p.Arg934Cys; replaces arginine 934 with cysteine.
Molecular consequence: missense variant. On other transcripts: non-coding transcript variant (1).
Genome position (GRCh38, 1-based): chr1:5,877,110, G>A on the plus strand (C>T on the coding strand, the complement: NPHP4 is on the minus strand). VCF-style: chr1-5877110-G-A. GRCh37 (hg19) VCF-style: chr1-5937170-G-A.
Other names: c.2800C>T (NM_015102.3); c.1261C>T, p.Arg421Cys (NM_001291593.2); c.1264C>T, p.Arg422Cys (NM_001291594.2); short protein forms R421C, R422C, R934C.
Identifiers: ClinVar variation 1061264 (VCV001061264.6), dbSNP rs774737760, ClinGen allele CA553932.

ClinVar aggregate classification (germline): Uncertain significance. Review status: criteria provided, multiple submitters, no conflicts (2 of 4 stars). 2 submissions from 2 submitters: Uncertain significance (2). Last evaluated 2023-06-13.

Conditions:
Inborn genetic diseases. Identifiers: MedGen C0950123, MeSH D030342.
Nephronophthisis. Also called: Juvenile Nephronophthisis. Identifiers: Orphanet 655, MedGen C0687120, MONDO:0019005, HP:0000090.

Allele frequency attached by ClinVar (database versions not stated): gnomAD exomes 0.00006 and 0.00012; ExAC 0.00007; TOPMed 0.00008; gnomAD 0.00010 and 0.00011.
gnomAD v4.1: 180 of 1,579,420 alleles (0.011%); highest among the groups gnomAD compares: Non-Finnish European, 0.014%; no homozygotes.

Submissions (5):

Ambry Genetics
Classification: Uncertain significance for Inborn genetic diseases. Last evaluated: 2023-06-13. Review status: criteria provided, single submitter. Criteria: Ambry Variant Classification Scheme 2023. Collection method: clinical testing. Allele origin: germline.

Labcorp Genetics (formerly Invitae), Labcorp
Classification: Uncertain significance for Nephronophthisis. Last evaluated: 2022-08-23. Review status: criteria provided, single submitter. Criteria: Invitae Variant Classification Sherloc (09022015). Collection method: clinical testing. Allele origin: germline.
Comment: This sequence change replaces arginine, which is basic and polar, with cysteine, which is neutral and slightly polar, at codon 934 of the NPHP4 protein (p.Arg934Cys). This variant is present in population databases (rs774737760, gnomAD 0.01%). This variant has not been reported in the literature in individuals affected with NPHP4-related conditions. ClinVar contains an entry for this variant (Variation ID: 1061264). Algorithms developed to predict the effect of missense changes on protein structure and function output the following: SIFT: "Deleterious"; PolyPhen-2: "Benign"; Align-GVGD: "Class C0". The cysteine amino acid residue is found in multiple mammalian species, which suggests that this missense change does not adversely affect protein function. Algorithms developed to predict the effect of sequence changes on RNA splicing suggest that this variant may create or strengthen a splice site. In summary, the available evidence is currently insufficient to determine the role of this variant in disease. Therefore, it has been classified as a Variant of Uncertain Significance.

Dr. Peter K. Rogan Lab, Western University
No classification provided (evidence only). Condition: Lung cancer. Review status: no classification provided. Collection method: in vitro. Allele origin: not applicable. Functional consequence: retained intron. Not counted in ClinVar's aggregate classification.

Dr. Peter K. Rogan Lab, Western University
No classification provided (evidence only). Condition: Familial cancer of breast. Review status: no classification provided. Collection method: in vitro. Allele origin: not applicable. Functional consequence: retained intron. Not counted in ClinVar's aggregate classification.

Dr. Peter K. Rogan Lab, Western University
No classification provided (evidence only). Condition: Uterine carcinosarcoma. Review status: no classification provided. Collection method: in vitro. Allele origin: not applicable. Functional consequence: retained intron. Not counted in ClinVar's aggregate classification.